The following is an entry in ClinVar:

NM_152564.5(VPS13B):c.163_166del (p.Phe55fs)

Gene: VPS13B (vacuolar protein sorting 13 homolog B; plus strand). Cytogenetic location: 8q22.2.
Variant type: Deletion.
Coding change: c.163_166del on transcript NM_152564.5 (MANE Select); coding-DNA positions 163 to 166, 4 bases deleted (TTCA; older notation c.163_166delTTCA).
Protein change: p.Phe55fs; shifts the reading frame from phenylalanine 55.
Molecular consequence: frameshift variant. On other transcripts: non-coding transcript variant (1).
Genome position (GRCh38, 1-based): chr8:99,038,438-99,038,441, TTCA deleted; deleting any 4 consecutive bases within chr8:99,038,436-99,038,441 gives the same sequence; the c. name uses the placement nearest the transcript's 3' end. VCF-style (leftmost placement, unchanged base first): chr8-99038435-CCATT-C. GRCh37 (hg19) VCF-style: chr8-100050663-CCATT-C.
Other names: c.163_166del, p.Phe55fs (NM_015243.3, NM_017890.5, NM_181661.3); short protein forms F55fs.
Identifiers: ClinVar variation 2859326 (VCV002859326.3), dbSNP rs2488267195, ClinGen allele CA2739268870.

ClinVar aggregate classification (germline): Pathogenic (1 of 4 stars; one submission).

Conditions:
Cohen syndrome (COH1). Also called: Cutis verticis gyrata, retinitis pigmentosa, and sensorineural deafness; PEPPER SYNDROME. Identifiers: Orphanet 193, MedGen C0265223, MONDO:0008999, OMIM 216550.

Submission:

Labcorp Genetics (formerly Invitae), Labcorp
Classification: Pathogenic for Cohen syndrome. Last evaluated: 2023-04-26. Review status: criteria provided, single submitter. Criteria: Invitae Variant Classification Sherloc (09022015). Collection method: clinical testing. Allele origin: germline.
Comment: For these reasons, this variant has been classified as Pathogenic. This variant has not been reported in the literature in individuals affected with VPS13B-related conditions. This variant is not present in population databases (gnomAD no frequency). This sequence change creates a premature translational stop signal (p.Phe55Leufs*3) in the VPS13B gene. It is expected to result in an absent or disrupted protein product. Loss-of-function variants in VPS13B are known to be pathogenic (PMID: 15141358, 16648375, 20461111).

Literature cited by the submitters: PubMed 15141358; PubMed 16648375; PubMed 20461111.